The following is an entry in ClinVar:

ClinVar aggregate classification (germline): Uncertain significance (1 of 4 stars; one submission).

Conditions:
Fanconi anemia complementation group J. Also called: BRIP1-Related Fanconi Anemia. Identifiers: Orphanet 84, MedGen C1836860, MONDO:0012187, OMIM 609054.
Familial cancer of breast. Also called: BREAST CANCER, FAMILIAL; hereditary breast carcinoma; Hereditary breast cancer. Identifiers: Orphanet 227535, MedGen C0346153, MONDO:0016419, OMIM 114480. Disease mechanism: loss of function.

Submission:

Labcorp Genetics (formerly Invitae), Labcorp
Classification: Uncertain significance for Familial cancer of breast; Fanconi anemia complementation group J. Last evaluated: 2022-06-09. Review status: criteria provided, single submitter. Criteria: Invitae Variant Classification Sherloc (09022015). Collection method: clinical testing. Allele origin: germline.
Comment: Algorithms developed to predict the effect of sequence changes on RNA splicing suggest that this variant may disrupt the consensus splice site. In summary, the available evidence is currently insufficient to determine the role of this variant in disease. Therefore, it has been classified as a Variant of Uncertain Significance. ClinVar contains an entry for this variant (Variation ID: 461161). This variant has not been reported in the literature in individuals affected with BRIP1-related conditions. This variant is not present in population databases (gnomAD no frequency). This sequence change creates a premature translational stop signal (p.Glu1220*) in the BRIP1 gene. While this is not anticipated to result in nonsense mediated decay, it is expected to disrupt the last 30 amino acid(s) of the BRIP1 protein.

NM_032043.3(BRIP1):c.3658G>T (p.Glu1220Ter)

Gene: BRIP1 (BRCA1 interacting DNA helicase 1; minus strand). Cytogenetic location: 17q23.2.
Variant type: single nucleotide variant.
Coding change: c.3658G>T on transcript NM_032043.3 (MANE Select); coding-DNA position 3658, G replaced by T.
Protein change: p.Glu1220Ter; replaces glutamic acid 1220 with a stop codon.
Molecular consequence: nonsense.
Genome position (GRCh38, 1-based): chr17:61,683,388, C>A on the plus strand (G>T on the coding strand, the complement: BRIP1 is on the minus strand). VCF-style: chr17-61683388-C-A. GRCh37 (hg19) VCF-style: chr17-59760749-C-A.
Other names: short protein forms E1220*.
Identifiers: ClinVar variation 461161 (VCV000461161.7), dbSNP rs1555572476, ClinGen allele CA400477883.